The following is an entry in ClinVar:

NM_031418.4(ANO3):c.719G>A (p.Arg240Lys)

Gene: ANO3 (anoctamin 3; plus strand). Cytogenetic location: 11p14.2.
Variant type: single nucleotide variant.
Coding change: c.719G>A on transcript NM_031418.4 (MANE Select); coding-DNA position 719, G replaced by A.
Protein change: p.Arg240Lys; replaces arginine 240 with lysine.
Molecular consequence: missense variant.
Genome position (GRCh38, 1-based): chr11:26,525,661, G>A. VCF-style: chr11-26525661-G-A. GRCh37 (hg19) VCF-style: chr11-26547208-G-A.
Other names: c.719G>A (NM_031418.2); c.902G>A, p.Arg301Lys (NM_001313726.2); c.281G>A, p.Arg94Lys (NM_001313727.2); short protein forms R240K, R301K, R94K.
Identifiers: ClinVar variation 3613867 (VCV003613867.3).

ClinVar aggregate classification (germline): Uncertain significance. Review status: criteria provided, multiple submitters, no conflicts (2 of 4 stars). 2 submissions from 2 submitters: Uncertain significance (2). Last evaluated 2025-08-09.

Conditions:
Dystonic disorder. Also called: Dystonia. Identifiers: MedGen C0013421, MONDO:0003441, HP:0001332.
Inborn genetic diseases. Identifiers: MedGen C0950123, MeSH D030342.

gnomAD v4.1: 7 of 1,609,872 alleles (0.00043%); highest among the groups gnomAD compares: Admixed American, 0.0084%; no homozygotes.

Submissions (2):

Ambry Genetics
Classification: Uncertain significance for Inborn genetic diseases. Last evaluated: 2025-08-09. Review status: criteria provided, single submitter. Criteria: Ambry Variant Classification Scheme 2023. Collection method: clinical testing. Allele origin: germline.

Labcorp Genetics (formerly Invitae), Labcorp
Classification: Uncertain significance for Dystonic disorder. Last evaluated: 2025-07-10. Review status: criteria provided, single submitter. Criteria: Invitae Variant Classification Sherloc (09022015). Collection method: clinical testing. Allele origin: germline.
Comment: This sequence change replaces arginine, which is basic and polar, with lysine, which is basic and polar, at codon 240 of the ANO3 protein (p.Arg240Lys). This variant is present in population databases (rs770780762, gnomAD 0.02%). This variant has not been reported in the literature in individuals affected with ANO3-related conditions. ClinVar contains an entry for this variant (Variation ID: 3613867). Invitae Evidence Modeling of protein sequence and biophysical properties (such as structural, functional, and spatial information, amino acid conservation, physicochemical variation, residue mobility, and thermodynamic stability) indicates that this missense variant is not expected to disrupt ANO3 protein function with a negative predictive value of 95%. In summary, the available evidence is currently insufficient to determine the role of this variant in disease. Therefore, it has been classified as a Variant of Uncertain Significance.